The following is an entry in ClinVar:

ClinVar aggregate classification (germline): Pathogenic/Likely pathogenic. Review status: criteria provided, multiple submitters, no conflicts (2 of 4 stars). 2 submissions from 2 submitters: Pathogenic (1); Likely pathogenic (1). Last evaluated 2024-02-20.

Conditions:
Tooth agenesis, selective, X-linked, 1 (STHAGX1). Also called: HYPODONTIA/OLIGODONTIA, X-LINKED, 1. Identifiers: Orphanet 99798, MedGen C1970757, MONDO:0010741, OMIM 313500. Disease mechanism: loss of function.
Hypohidrotic X-linked ectodermal dysplasia (XHED). Also called: ECTODERMAL DYSPLASIA 1, HYPOHIDROTIC/HAIR/TOOTH TYPE, X-LINKED; ECTODERMAL DYSPLASIA, HYPOHIDROTIC, 1; CST SYNDROME; ECTODERMAL DYSPLASIA 1; Ectodermal Dysplasia 1, Anhidrotic; Anhidrotic ectodermal dysplasia X-linked. Identifiers: Orphanet 181, Orphanet 238468, MedGen C0162359, MONDO:0010585, OMIM 305100.

Submissions (2):

Fulgent Genetics
Classification: Likely pathogenic for Hypohidrotic X-linked ectodermal dysplasia; Tooth agenesis, selective, X-linked, 1. Last evaluated: 2024-02-20. Review status: criteria provided, single submitter. Criteria: ACMG Guidelines, 2015. Collection method: clinical testing. Allele origin: germline.

GeneDx
Classification: Pathogenic. Last evaluated: 2019-11-01. Review status: criteria provided, single submitter. Criteria: GeneDx Variant Classification Process June 2021. Collection method: clinical testing. Allele origin: germline. Affected: yes.
Comment: Has not been previously published as pathogenic or benign to our knowledge; Nonsense variant predicted to result in protein truncation or nonsense mediated decay in a gene for which loss-of-function is a known mechanism of disease; Not observed in large population cohorts (Lek et al., 2016)

NM_001399.5(EDA):c.800C>G (p.Ser267Ter)

Gene: EDA (ectodysplasin A; plus strand). Cytogenetic location: Xq13.1.
Variant type: single nucleotide variant.
Coding change: c.800C>G on transcript NM_001399.5 (MANE Select); coding-DNA position 800, C replaced by G.
Protein change: p.Ser267Ter; replaces serine 267 with a stop codon.
Molecular consequence: nonsense. On other transcripts: intron variant (1).
Genome position (GRCh38, 1-based): chrX:70,033,404, C>G. VCF-style: chrX-70033404-C-G. GRCh37 (hg19) VCF-style: chrX-69253254-C-G.
Other names: c.800C>G, p.Ser267Ter (NM_001005609.2); c.794-3C>G (NM_001005612.3); short protein forms S267*.
Identifiers: ClinVar variation 1208540 (VCV001208540.4), dbSNP rs2147516267, ClinGen allele CA413448768.